The following is an entry in ClinVar:

NM_001081.4(CUBN):c.5005C>A (p.Leu1669Ile)

Gene: CUBN (cubilin; minus strand). Cytogenetic location: 10p13.
Variant type: single nucleotide variant.
Coding change: c.5005C>A on transcript NM_001081.4 (MANE Select); coding-DNA position 5005, C replaced by A.
Protein change: p.Leu1669Ile; replaces leucine 1669 with isoleucine.
Molecular consequence: missense variant.
Genome position (GRCh38, 1-based): chr10:16,950,076, G>T on the plus strand (C>A on the coding strand, the complement: CUBN is on the minus strand). VCF-style: chr10-16950076-G-T. GRCh37 (hg19) VCF-style: chr10-16992075-G-T.
Other names: short protein forms L1669I.
Identifiers: ClinVar variation 2415014 (VCV002415014.6), dbSNP rs112671925, ClinGen allele CA5424178.

ClinVar aggregate classification (germline): Uncertain significance (1 of 4 stars; one submission).

Conditions:
Imerslund-Grasbeck syndrome. Also called: Megaloblastic anemia due to inborn errors of metabolism; Imerslund-Gräsbeck syndrome; ENTEROCYTE COBALAMIN MALABSORPTION; ENTEROCYTE INTRINSIC FACTOR RECEPTOR, DEFECT OF; PERNICIOUS ANEMIA, JUVENILE, DUE TO SELECTIVE INTESTINAL MALABSORPTION OF VITAMIN B12, WITH PROTEINURIA. Identifiers: Orphanet 35858, MedGen C4551825, MONDO:0009853.

Allele frequency attached by ClinVar (database versions not stated): gnomAD exomes below 0.00001; gnomAD 0.00001; ExAC 0.00002; TOPMed 0.00002; 1000 Genomes Project 30x 0.00016; 1000 Genomes Project 0.00020.
gnomAD v4.1: 20 of 1,613,922 alleles (0.0012%); highest among the groups gnomAD compares: Middle Eastern, 0.017%; 1 homozygote.

Submission:

Labcorp Genetics (formerly Invitae), Labcorp
Classification: Uncertain significance for Imerslund-Grasbeck syndrome. Last evaluated: 2025-08-11. Review status: criteria provided, single submitter. Criteria: Invitae Variant Classification Sherloc (09022015). Collection method: clinical testing. Allele origin: germline.
Comment: This sequence change replaces leucine, which is neutral and non-polar, with isoleucine, which is neutral and non-polar, at codon 1669 of the CUBN protein (p.Leu1669Ile). The frequency data for this variant in the population databases is considered unreliable, as metrics indicate poor data quality at this position in the gnomAD database. This variant has not been reported in the literature in individuals affected with CUBN-related conditions. ClinVar contains an entry for this variant (Variation ID: 2415014). Invitae Evidence Modeling of protein sequence and biophysical properties (such as structural, functional, and spatial information, amino acid conservation, physicochemical variation, residue mobility, and thermodynamic stability) indicates that this missense variant is not expected to disrupt CUBN protein function with a negative predictive value of 80%. In summary, the available evidence is currently insufficient to determine the role of this variant in disease. Therefore, it has been classified as a Variant of Uncertain Significance.